The following is an entry in ClinVar:

ClinVar aggregate classification (germline): Benign. Review status: criteria provided, multiple submitters, no conflicts (2 of 4 stars). 14 submissions from 14 submitters: Benign (10). 4 of the submissions do not count toward it. Last evaluated 2026-02-03.

Conditions:
Kabuki syndrome. Also called: NIIKAWA-KUROKI SYNDROME; Kabuki make-up syndrome. Identifiers: Orphanet 2322, MedGen C0796004, MONDO:0016512.

Allele frequency attached by ClinVar (database versions not stated): TOPMed 0.01987; gnomAD exomes 0.02794 and 0.02625; ESP Exome Variant Server 0.02159; ExAC 0.02880; 1000 Genomes Project 30x 0.01640; 1000 Genomes Project 0.01717; gnomAD 0.02449 and 0.02450.

Submissions (14):

Labcorp Genetics (formerly Invitae), Labcorp
Classification: Benign for Kabuki syndrome. Last evaluated: 2026-02-03. Review status: criteria provided, single submitter. Criteria: Invitae Variant Classification Sherloc (09022015). Collection method: clinical testing. Allele origin: germline.

Mayo Clinic Laboratories, Mayo Clinic
Classification: Benign. Last evaluated: 2025-06-23. Review status: criteria provided, single submitter. Criteria: ACMG Guidelines, 2015. Collection method: clinical testing. Allele origin: germline. Observed: 3 variant alleles.
Comment: BA1, BS2, BP4

Blueprint Genetics
Classification: Benign. Last evaluated: 2024-11-27. Review status: criteria provided, single submitter. Criteria: ACMG Guidelines, 2015. Collection method: clinical testing. Allele origin: germline.

Athena Diagnostics
Classification: Benign. Last evaluated: 2018-05-14. Review status: criteria provided, single submitter. Criteria: Athena Diagnostics Criteria. Collection method: clinical testing. Allele origin: germline.

Eurofins Ntd Llc (ga)
Classification: Benign. Last evaluated: 2016-04-07. Review status: criteria provided, single submitter. Criteria: EGL Classification Definitions 2015. Collection method: clinical testing. Allele origin: germline. Observed: 20 variant alleles, 20 heterozygotes.

GeneDx
Classification: Benign. Last evaluated: 2015-03-03. Review status: criteria provided, single submitter. Criteria: GeneDx Variant Classification Process June 2021. Collection method: clinical testing. Allele origin: germline. Affected: yes.

Genomic Diagnostic Laboratory, Division of Genomic Diagnostics, Children's Hospital of Philadelphia
Classification: Benign. Last evaluated: 2014-12-31. Review status: criteria provided, single submitter. Criteria: DGD Variant Analysis Guidelines. Collection method: clinical testing. Allele origin: unknown.

Genetic Services Laboratory, University of Chicago
Classification: Benign. Last evaluated: 2013-02-08. Review status: criteria provided, single submitter. Criteria: ACMG Guidelines, 2007. Collection method: clinical testing. Allele origin: germline. Inheritance: Autosomal dominant inheritance.

Breakthrough Genomics
Classification: Benign. Review status: criteria provided, single submitter. Criteria: ACMG Guidelines, 2015. Collection method: not provided. Allele origin: germline. Inheritance: Autosomal dominant inheritance. Affected: yes.

PreventionGenetics, part of Exact Sciences
Classification: Benign. Review status: criteria provided, single submitter. Criteria: ACMG Guidelines, 2015. Collection method: clinical testing. Allele origin: germline.

ITMI
No classification provided. Condition: AllHighlyPenetrant. Last evaluated: 2013-09-19. Review status: no classification provided. Collection method: reference population. Allele origin: germline. Not counted in ClinVar's aggregate classification.
Comment: Please see associated publication for description of ethnicities

Clinical Genetics DNA and cytogenetics Diagnostics Lab, Erasmus MC, Erasmus Medical Center
Classification: Benign. Review status: no assertion criteria provided. Collection method: clinical testing. Allele origin: germline. Affected: yes. Study: VKGL Data-share Consensus. Not counted in ClinVar's aggregate classification.

Joint Genome Diagnostic Labs from Nijmegen and Maastricht, Radboudumc and MUMC+
Classification: Benign. Review status: no assertion criteria provided. Collection method: clinical testing. Allele origin: germline. Affected: yes. Study: VKGL Data-share Consensus. Not counted in ClinVar's aggregate classification.

Laboratory of Diagnostic Genome Analysis, Leiden University Medical Center (LUMC)
Classification: Likely benign. Review status: no assertion criteria provided. Collection method: clinical testing. Allele origin: germline. Affected: yes. Study: VKGL Data-share Consensus. Not counted in ClinVar's aggregate classification.

Literature cited by the submitters: PubMed 28475860 (cited by Mayo Clinic Laboratories, Mayo Clinic); PubMed 24728327 (cited by ITMI).

NM_003482.4(KMT2D):c.12028T>C (p.Ser4010Pro)

Gene: KMT2D (lysine methyltransferase 2D; minus strand). Cytogenetic location: 12q13.12.
Variant type: single nucleotide variant.
Coding change: c.12028T>C on transcript NM_003482.4 (MANE Select); coding-DNA position 12028, T replaced by C.
Protein change: p.Ser4010Pro; replaces serine 4010 with proline.
Molecular consequence: missense variant.
Genome position (GRCh38, 1-based): chr12:49,032,677, A>G on the plus strand (T>C on the coding strand, the complement: KMT2D is on the minus strand). VCF-style: chr12-49032677-A-G. GRCh37 (hg19) VCF-style: chr12-49426460-A-G.
Other names: short protein forms S4010P.
Identifiers: ClinVar variation 94154 (VCV000094154.29), dbSNP rs80132640, ClinGen allele CA248664.